The following is an entry in ClinVar:

ClinVar aggregate classification (germline): Likely benign. Review status: criteria provided, multiple submitters, no conflicts (2 of 4 stars). 4 submissions from 4 submitters: Likely benign (3). 1 of the submissions does not count toward it. Last evaluated 2026-01-19.

Conditions:
RYR1-related disorder. Also called: RYR1-related condition; RYR1-related disorders. Identifiers: MedGen CN239331.
Malignant hyperthermia, susceptibility to, 1 (MHS1). Also called: Anesthesia related hyperthermia; Malignant hyperpyrexia; Fulminating hyperpyrexia; Pharmacogenic myopathy; RYR1-Related Malignant Hyperthermia Susceptibility; Malignant hyperthermia suceptibility 1. Identifiers: Orphanet 423, MedGen C2930980, MONDO:0007783, OMIM 145600.

Allele frequency attached by ClinVar (database versions not stated): TOPMed 0.00023; 1000 Genomes Project 0.00040; gnomAD exomes 0.00002 and 0.00004; ExAC 0.00008; gnomAD 0.00017; ESP Exome Variant Server 0.00046; 1000 Genomes Project 30x 0.00047.
gnomAD v4.1: 50 of 1,612,718 alleles (0.0031%); highest among the groups gnomAD compares: African/African-American, 0.045%; no homozygotes.

Submissions (4):

Labcorp Genetics (formerly Invitae), Labcorp
Classification: Likely benign for RYR1-related disorder. Last evaluated: 2026-01-19. Review status: criteria provided, single submitter. Criteria: Invitae Variant Classification Sherloc (09022015). Collection method: clinical testing. Allele origin: germline.

Color Diagnostics, LLC DBA Color Health
Classification: Likely benign for Malignant hyperthermia, susceptibility to, 1. Last evaluated: 2022-11-06. Review status: criteria provided, single submitter. Criteria: ACMG Guidelines, 2015. Collection method: clinical testing. Allele origin: germline.

CeGaT Center for Human Genetics Tuebingen
Classification: Likely benign. Last evaluated: 2022-09-01. Review status: criteria provided, single submitter. Criteria: CeGaT Center For Human Genetics Tuebingen Variant Classification Criteria Version 2. Collection method: clinical testing. Allele origin: germline. Affected: yes. Observed: 1 variant allele.
Comment: RYR1: BP4, BP7

PreventionGenetics, part of Exact Sciences
Classification: Likely benign for RYR1-related condition. Last evaluated: 2020-02-03. Review status: no assertion criteria provided. Collection method: clinical testing. Allele origin: germline. Not counted in ClinVar's aggregate classification.
Comment: This variant is classified as likely benign based on ACMG/AMP sequence variant interpretation guidelines (Richards et al. 2015 PMID: 25741868, with internal and published modifications).

NM_000540.3(RYR1):c.2904G>A (p.Pro968=)

Gene: RYR1 (ryanodine receptor 1; plus strand). Cytogenetic location: 19q13.2.
Variant type: single nucleotide variant.
Coding change: c.2904G>A on transcript NM_000540.3 (MANE Select); coding-DNA position 2904, G replaced by A.
Protein change: p.Pro968=; no amino-acid change (proline 968 retained).
Molecular consequence: synonymous variant.
Genome position (GRCh38, 1-based): chr19:38,466,124, G>A. VCF-style: chr19-38466124-G-A. GRCh37 (hg19) VCF-style: chr19-38956764-G-A.
Other names: c.2904G>A, p.Pro968= (NM_001042723.2).
Identifiers: ClinVar variation 707324 (VCV000707324.33), dbSNP rs146651758, ClinGen allele CA064179.